The following is an entry in ClinVar:

ClinVar aggregate classification (germline): Pathogenic/Likely pathogenic. Review status: criteria provided, multiple submitters, no conflicts (2 of 4 stars). 3 submissions from 3 submitters: Pathogenic (1); Likely pathogenic (2). Last evaluated 2025-05-25.

Conditions:
Mucopolysaccharidosis, MPS-III-C (MPS3C). Also called: SANFILIPPO SYNDROME C; MPS III C; MPS IIIC (Sanfilippo Syndrome Type C); MUCOPOLYSACCHARIDOSIS, TYPE IIIC; Mucopolysaccharidosis type IIIC (Sanfilippo C); mucopolysaccharidosis type 3C. Identifiers: Orphanet 581, Orphanet 79271, MedGen C0086649, MONDO:0009657, OMIM 252930.
Retinitis pigmentosa 73 (RP73). Identifiers: Orphanet 791, MedGen C4225287, MONDO:0014687, OMIM 616544.

Allele frequency attached by ClinVar (database versions not stated): gnomAD 0.00001; TOPMed 0.00001; gnomAD exomes below 0.00001.

Submissions (3):

Natera, Inc.
Classification: Pathogenic for Mucopolysaccharidosis type IIIC. Last evaluated: 2025-05-25. Review status: criteria provided, single submitter. Criteria: Natera Variant Classification Schema (03/2026). Collection method: clinical testing. Allele origin: germline.
Comment: The c.118+1G>A variant in HGSNAT is a canonical splice donor site variant predicted to affect pre-mRNA splicing, which may result in an abnormal transcript and altered protein product. This variant is expected to result in nonsense mediated decay, truncation, or a dysfunctional protein product. This variant is rare in the general population with a frequency below the threshold expected for the associated phenotype(s). This variant has been observed in one or more individuals affected with the associated recessive disease, as either homozygous or compound heterozygous with a second variant (PMID: 17033958). Given the available evidence, this variant is classified as Pathogenic.

Fulgent Genetics
Classification: Likely pathogenic for Mucopolysaccharidosis, MPS-III-C; Retinitis pigmentosa 73. Last evaluated: 2024-02-19. Review status: criteria provided, single submitter. Criteria: ACMG Guidelines, 2015. Collection method: clinical testing. Allele origin: germline.

Labcorp Genetics (formerly Invitae), Labcorp
Classification: Likely pathogenic for Retinitis pigmentosa 73; Mucopolysaccharidosis, MPS-III-C. Last evaluated: 2023-05-23. Review status: criteria provided, single submitter. Criteria: Invitae Variant Classification Sherloc (09022015). Collection method: clinical testing. Allele origin: germline.
Comment: In summary, the currently available evidence indicates that the variant is pathogenic, but additional data are needed to prove that conclusively. Therefore, this variant has been classified as Likely Pathogenic. ClinVar contains an entry for this variant (Variation ID: 1492894). This variant is not present in population databases (gnomAD no frequency). Disruption of this splice site has been observed in individual(s) with mucopolysaccharidosis type III (PMID: 17033958). This variant is also known as c.202+1G>A (p.L69EfsX32). Algorithms developed to predict the effect of sequence changes on RNA splicing suggest that this variant may disrupt the consensus splice site. This sequence change affects a donor splice site in intron 1 of the HGSNAT gene. It is expected to disrupt RNA splicing. Variants that disrupt the donor or acceptor splice site typically lead to a loss of protein function (PMID: 16199547), and loss-of-function variants in HGSNAT are known to be pathogenic (PMID: 17033958, 19479962).

Literature cited by the submitters: PubMed 17033958 (cited by Natera, Inc. and Labcorp Genetics (formerly Invitae), Labcorp); PubMed 16199547 (cited by Labcorp Genetics (formerly Invitae), Labcorp); PubMed 19479962 (cited by Labcorp Genetics (formerly Invitae), Labcorp).

NM_152419.3(HGSNAT):c.118+1G>A

Genes: HGSNAT (heparan-alpha-glucosaminide N-acetyltransferase; plus strand), LOC130000316 (ATAC-STARR-seq lymphoblastoid silent region 19164; plus strand). Cytogenetic location: 8p11.21.
Variant type: single nucleotide variant.
Coding change: c.118+1G>A on transcript NM_152419.3 (MANE Select); the canonical splice donor site of the intron after coding-DNA position 118, G replaced by A.
Molecular consequence: splice donor variant.
Genome position (GRCh38, 1-based): chr8:43,140,615, G>A. VCF-style: chr8-43140615-G-A. GRCh37 (hg19) VCF-style: chr8-42995758-G-A.
Other names: c.118+1G>A (NM_152419.2, NM_001363227.2, NM_001363228.2); c.-716+1G>A (NM_001363229.2).
Identifiers: ClinVar variation 1492894 (VCV001492894.8), dbSNP rs1324229618, ClinGen allele CA371124716.
Genomic context (GRCh38, chr8:43,140,615, plus strand): 5'-CCGCGCTGCTGGCCCCCGGCGGCTCTTCGGGGCGCGATGCCCAGGCCGCGCCGCCACGAG[G>A]TGAGTGCACACCTCCTACCGCCGCCCGGCCGGCTACGAGCGCAGCGTCTCCTCTCCGCGG-3'